The following is an entry in ClinVar:

NM_003001.5(SDHC):c.13T>G (p.Leu5Val)

Gene: SDHC (succinate dehydrogenase complex subunit C; plus strand). Cytogenetic location: 1q23.3.
Variant type: single nucleotide variant.
Coding change: c.13T>G on transcript NM_003001.5 (MANE Select); coding-DNA position 13, T replaced by G.
Protein change: p.Leu5Val; replaces leucine 5 with valine.
Molecular consequence: missense variant. On other transcripts: 5 prime UTR variant (2), non-coding transcript variant (1).
Genome position (GRCh38, 1-based): chr1:161,314,418, T>G. VCF-style: chr1-161314418-T-G. GRCh37 (hg19) VCF-style: chr1-161284208-T-G.
Other names: c.13T>G, p.Leu5Val (NM_001035511.3, NM_001035512.3, NM_001035513.3 and 6 more transcripts); c.-548T>G (NM_001407119.1); c.-217T>G (NM_001407120.1); short protein forms L5V.
Identifiers: ClinVar variation 3438785 (VCV003438785.1).

ClinVar aggregate classification (germline): Uncertain significance (1 of 4 stars; one submission).

Conditions:
Hereditary cancer-predisposing syndrome. Also called: Tumor predisposition; Neoplastic Syndromes, Hereditary; Hereditary neoplastic syndrome; Hereditary Cancer Syndrome. Identifiers: Orphanet 140162, MedGen C0027672, MeSH D009386, MONDO:0015356.

Submission:

Ambry Genetics
Classification: Uncertain significance for Hereditary cancer-predisposing syndrome. Last evaluated: 2024-09-30. Review status: criteria provided, single submitter. Criteria: Ambry Variant Classification Scheme 2023. Collection method: clinical testing. Allele origin: germline.
Comment: The p.L5V variant (also known as c.13T>G), located in coding exon 1 of the SDHC gene, results from a T to G substitution at nucleotide position 13. The leucine at codon 5 is replaced by valine, an amino acid with highly similar properties. This amino acid position is conserved. In addition, the in silico prediction for this alteration is inconclusive. Based on the available evidence, the clinical significance of this variant remains unclear.